The following is an entry in ClinVar:

NM_001436401.1(NOBOX):c.1093G>A (p.Gly365Ser)

Gene: NOBOX (NOBOX oogenesis homeobox; minus strand). Cytogenetic location: 7q35.
Variant type: single nucleotide variant.
Coding change: c.1093G>A on transcript NM_001436401.1 (MANE Select); coding-DNA position 1093, G replaced by A.
Protein change: p.Gly365Ser; replaces glycine 365 with serine.
Molecular consequence: missense variant.
Genome position (GRCh38, 1-based): chr7:144,398,975, C>T on the plus strand (G>A on the coding strand, the complement: NOBOX is on the minus strand). VCF-style: chr7-144398975-C-T. GRCh37 (hg19) VCF-style: chr7-144096068-C-T.
Other names: p.G482S:GGC>AGC; NM_001080413.3:c.1444G>A; c.541G>A, p.Gly181Ser (NM_001436402.1); short protein forms G181S, G365S.
Identifiers: ClinVar variation 138535 (VCV000138535.8), dbSNP rs2525702, ClinGen allele CA292576.

ClinVar aggregate classification (germline): Benign. Review status: criteria provided, multiple submitters, no conflicts (2 of 4 stars). 4 submissions from 4 submitters: Benign (4). Last evaluated 2021-09-05.

Conditions:
Premature ovarian failure 5 (POF5). Identifiers: MedGen C1969060, MONDO:0012689, OMIM 611548.

Allele frequency attached by ClinVar (database versions not stated): gnomAD exomes 0.15961 and 0.16685; 1000 Genomes Project 0.16214; 1000 Genomes Project 30x 0.16443; TOPMed 0.16930; gnomAD 0.17196 and 0.17402; ESP Exome Variant Server 0.17761; ExAC 0.26361.

Submissions (4):

Genome-Nilou Lab
Classification: Benign for Premature ovarian failure 5. Last evaluated: 2021-09-05. Review status: criteria provided, single submitter. Criteria: ACMG Guidelines, 2015. Collection method: clinical testing. Allele origin: germline. Affected: no.

Illumina Laboratory Services, Illumina
Classification: Benign for Premature ovarian failure 5. Last evaluated: 2018-01-12. Review status: criteria provided, single submitter. Criteria: ICSL Variant Classification Criteria 13 December 2019. Collection method: clinical testing. Allele origin: germline.
Comment: This variant was observed in the ICSL laboratory as part of a predisposition screen in an ostensibly healthy population. It had not been previously curated by ICSL or reported in the Human Gene Mutation Database (HGMD: prior to June 1st, 2018), and was therefore a candidate for classification through an automated scoring system. Utilizing variant allele frequency, disease prevalence and penetrance estimates, and inheritance mode, an automated score was calculated to assess if this variant is too frequent to cause the disease. Based on the score and internal cut-off values, a variant classified as benign is not then subjected to further curation. The score for this variant resulted in a classification of benign for this disease.

GeneDx
Classification: Benign. Last evaluated: 2014-05-19. Review status: criteria provided, single submitter. Criteria: GeneDx Variant Classification (06012015). Collection method: clinical testing. Allele origin: germline. Affected: yes.
Comment: This variant is considered likely benign or benign based on one or more of the following criteria: it is a conservative change, it occurs at a poorly conserved position in the protein, it is predicted to be benign by multiple in silico algorithms, and/or has population frequency not consistent with disease.

Breakthrough Genomics
Classification: Benign. Review status: criteria provided, single submitter. Criteria: ACMG Guidelines, 2015. Collection method: not provided. Allele origin: germline. Inheritance: Autosomal dominant inheritance. Affected: yes.